The following is an entry in ClinVar:

ClinVar aggregate classification (germline): Uncertain significance (1 of 4 stars; one submission).

Allele frequency attached by ClinVar (database versions not stated): ExAC 0.00009; 1000 Genomes Project 30x 0.00047; 1000 Genomes Project 0.00060.
gnomAD v4.1: 137 of 697,582 alleles (0.02%); highest among the groups gnomAD compares: South Asian, 0.065%; no homozygotes.

Submission:

Labcorp Genetics (formerly Invitae), Labcorp
Classification: Uncertain significance. Last evaluated: 2026-02-01. Review status: criteria provided, single submitter. Criteria: Invitae Variant Classification Sherloc (09022015). Collection method: clinical testing. Allele origin: germline.
Comment: This variant occurs in the RNU4ATAC gene, which encodes an RNA molecule that does not result in a protein product. This variant is present in population databases (rs570265345, gnomAD 0.05%). This variant has not been reported in the literature in individuals affected with RNU4ATAC-related conditions. ClinVar contains an entry for this variant (Variation ID: 1512007). Experimental studies and prediction algorithms are not available or were not evaluated, and the functional significance of this variant is currently unknown. In summary, the available evidence is currently insufficient to determine the role of this variant in disease. Therefore, it has been classified as a Variant of Uncertain Significance.

NC_000002.12:g.121530904C>T

Genes: CLASP1 (cytoplasmic linker associated protein 1; minus strand), CLASP1-AS1 (CLASP1 antisense RNA 1; plus strand), RNU4ATAC (RNA, U4atac small nuclear; plus strand). Cytogenetic location: 2q14.2.
Variant type: single nucleotide variant.
Molecular consequence: intron variant (on NM_001395891.1).
Genome position: GRCh38 VCF-style: chr2-121530904-C-T. GRCh37 (hg19) VCF-style: chr2-122288480-C-T.
Other names: c.196-579G>A (NM_001142274.2, NM_015282.3, NM_001378003.1 and 5 more transcripts).
Identifiers: ClinVar variation 1512007 (VCV001512007.6), dbSNP rs570265345, ClinGen allele CA1854686.